The following is an entry in ClinVar:

ClinVar aggregate classification (germline): Uncertain significance (1 of 4 stars; one submission).

Allele frequency attached by ClinVar (database versions not stated): gnomAD exomes below 0.00001.
gnomAD v4.1: 1 of 1,611,938 alleles (0.000062%); highest among the groups gnomAD compares: Non-Finnish European, 0.000085%; no homozygotes.

Submission:

Labcorp Genetics (formerly Invitae), Labcorp
Classification: Uncertain significance. Last evaluated: 2021-09-01. Review status: criteria provided, single submitter. Criteria: Invitae Variant Classification Sherloc (09022015). Collection method: clinical testing. Allele origin: germline.
Comment: This sequence change replaces glycine with aspartic acid at codon 4012 of the ADGRV1 protein (p.Gly4012Asp). The glycine residue is weakly conserved and there is a moderate physicochemical difference between glycine and aspartic acid. This variant is not present in population databases (ExAC no frequency). This variant has not been reported in the literature in individuals affected with ADGRV1-related conditions. Algorithms developed to predict the effect of missense changes on protein structure and function are either unavailable or do not agree on the potential impact of this missense change (SIFT: "Deleterious"; PolyPhen-2: "Probably Damaging"; Align-GVGD: "Class C0"). In summary, the available evidence is currently insufficient to determine the role of this variant in disease. Therefore, it has been classified as a Variant of Uncertain Significance.

NM_032119.4(ADGRV1):c.12035G>A (p.Gly4012Asp)

Gene: ADGRV1 (adhesion G protein-coupled receptor V1; plus strand). Cytogenetic location: 5q14.3.
Variant type: single nucleotide variant.
Coding change: c.12035G>A on transcript NM_032119.4 (MANE Select); coding-DNA position 12035, G replaced by A.
Protein change: p.Gly4012Asp; replaces glycine 4012 with aspartic acid.
Molecular consequence: missense variant. On other transcripts: non-coding transcript variant (1).
Genome position (GRCh38, 1-based): chr5:90,759,503, G>A. VCF-style: chr5-90759503-G-A. GRCh37 (hg19) VCF-style: chr5-90055320-G-A.
Other names: short protein forms G4012D.
Identifiers: ClinVar variation 1015679 (VCV001015679.6), dbSNP rs1756223197, ClinGen allele CA360373717.
Genomic context (GRCh38, chr5:90,759,503, plus strand): 5'-ATGCTGAATTTGAATTGACAGAGACGTTCAATATTTCCTTGATCAGTGTTGCTGGAGGTG[G>A]CAGACTTGGTGATGATGTTGTGGTAACTGTTGTTATTCCACAAAATGATTCTCCATTTGG-3'
Protein context (NP_115495.3, residues 4002-4022): NISLISVAGG[Gly4012Asp]RLGDDVVVTV